The following is an entry in ClinVar:

NM_000843.4(GRM6):c.1214T>C (p.Ile405Thr)

Genes: GRM6 (glutamate metabotropic receptor 6; minus strand), ZNF454 (zinc finger protein 454; plus strand). Cytogenetic location: 5q35.3.
Variant type: single nucleotide variant.
Coding change: c.1214T>C on transcript NM_000843.4 (MANE Select); coding-DNA position 1214, T replaced by C.
Protein change: p.Ile405Thr; replaces isoleucine 405 with threonine.
Molecular consequence: missense variant.
Genome position (GRCh38, 1-based): chr5:178,989,075, A>G on the plus strand (T>C on the coding strand, the complement: GRM6 is on the minus strand). VCF-style: chr5-178989075-A-G. GRCh37 (hg19) VCF-style: chr5-178416076-A-G.
Other names: short protein forms I405T.
Identifiers: ClinVar variation 5847 (VCV000005847.12), dbSNP rs121434304, ClinGen allele CA117807.

ClinVar aggregate classification (germline): Conflicting classifications of pathogenicity. Review status: criteria provided, conflicting classifications (1 of 4 stars). 6 submissions from 6 submitters: Likely pathogenic (3); Uncertain significance (2). 1 of the submissions does not count toward it. Last evaluated 2024-11-11.

Conditions:
Congenital stationary night blindness 1B. Also called: NIGHT BLINDNESS, CONGENITAL STATIONARY, COMPLETE, AUTOSOMAL RECESSIVE; Night blindness, congenital stationary (complete), 1B, autosomal recessive. Identifiers: Orphanet 215, MedGen C1850362, MONDO:0009758, OMIM 257270.

Allele frequency attached by ClinVar (database versions not stated): ExAC 0.00003; gnomAD 0.00003; TOPMed 0.00008.
gnomAD v4.1: 86 of 1,613,960 alleles (0.0053%); highest among the groups gnomAD compares: Non-Finnish European, 0.0071%; no homozygotes.

Submissions (6):

GeneDx
Classification: Likely pathogenic. Last evaluated: 2024-11-11. Review status: criteria provided, single submitter. Criteria: GeneDx Variant Classification Process June 2021. Collection method: clinical testing. Allele origin: germline. Affected: yes.
Comment: Published functional studies demonstrate a damaging effect on transport of the GRM6 protein characterized by retention within the endoplasmic reticulum (PMID: 17405131); In silico analysis supports that this missense variant has a deleterious effect on protein structure/function; This variant is associated with the following publications: (PMID: 22008250, 31964843, 17405131)

Blueprint Genetics
Classification: Uncertain significance. Last evaluated: 2024-10-18. Review status: criteria provided, single submitter. Criteria: ACMG Guidelines, 2015. Collection method: clinical testing. Allele origin: germline.

Labcorp Genetics (formerly Invitae), Labcorp
Classification: Uncertain significance. Last evaluated: 2023-06-30. Review status: criteria provided, single submitter. Criteria: Invitae Variant Classification Sherloc (09022015). Collection method: clinical testing. Allele origin: germline.
Comment: In summary, the available evidence is currently insufficient to determine the role of this variant in disease. Therefore, it has been classified as a Variant of Uncertain Significance. Experimental studies have shown that this missense change affects GRM6 function (PMID: 17405131). Advanced modeling of protein sequence and biophysical properties (such as structural, functional, and spatial information, amino acid conservation, physicochemical variation, residue mobility, and thermodynamic stability) has been performed at Invitae for this missense variant, however the output from this modeling did not meet the statistical confidence thresholds required to predict the impact of this variant on GRM6 protein function. ClinVar contains an entry for this variant (Variation ID: 5847). This missense change has been observed in individual(s) with congenital stationary night blindness (PMID: 17405131). This variant is present in population databases (rs121434304, gnomAD 0.006%). This sequence change replaces isoleucine, which is neutral and non-polar, with threonine, which is neutral and polar, at codon 405 of the GRM6 protein (p.Ile405Thr).

Department of Pathology and Laboratory Medicine, Sinai Health System
Classification: Likely pathogenic for Congenital stationary night blindness 1B. Last evaluated: 2023-04-05. Review status: criteria provided, single submitter. Criteria: ACMG Guidelines, 2015. Collection method: research. Allele origin: germline.

Eurofins Ntd Llc (ga)
Classification: Likely pathogenic. Last evaluated: 2017-06-13. Review status: criteria provided, single submitter. Criteria: EGL Classification Definitions 2015. Collection method: clinical testing. Allele origin: germline. Observed: 2 variant alleles, 2 heterozygotes.

OMIM
Classification: Pathogenic for NIGHT BLINDNESS, CONGENITAL STATIONARY, TYPE 1B. Last evaluated: 2007-08-01. Review status: no assertion criteria provided. Collection method: literature only. Allele origin: germline. Not counted in ClinVar's aggregate classification.

Literature cited by the submitters: PubMed 17405131 (cited by 3 submitters).